The following is an entry in ClinVar:

NM_024537.4(CARS2):c.889G>A (p.Glu297Lys)

Gene: CARS2 (cysteinyl-tRNA synthetase 2, mitochondrial; minus strand). Cytogenetic location: 13q34.
Variant type: single nucleotide variant.
Coding change: c.889G>A on transcript NM_024537.4 (MANE Select); coding-DNA position 889, G replaced by A.
Protein change: p.Glu297Lys; replaces glutamic acid 297 with lysine.
Molecular consequence: missense variant. On other transcripts: non-coding transcript variant (2).
Genome position (GRCh38, 1-based): chr13:110,667,370, C>T on the plus strand (G>A on the coding strand, the complement: CARS2 is on the minus strand). VCF-style: chr13-110667370-C-T. GRCh37 (hg19) VCF-style: chr13-111319717-C-T.
Other names: c.103G>A, p.Glu35Lys (NM_001352252.2); c.889G>A, p.Glu297Lys (NM_001352253.3); short protein forms E297K, E35K.
Identifiers: ClinVar variation 475638 (VCV000475638.6), dbSNP rs368410574, ClinGen allele CA7052045.

ClinVar aggregate classification (germline): Uncertain significance (1 of 4 stars; one submission).

Conditions:
Combined oxidative phosphorylation defect type 27. Also called: Combined oxidative phosphorylation deficiency 27. Identifiers: Orphanet 477774, MedGen C5567608, MONDO:0014728, OMIM 616672.

Allele frequency attached by ClinVar (database versions not stated): TOPMed below 0.00001; ExAC 0.00001; gnomAD exomes 0.00001; ESP Exome Variant Server 0.00008.
gnomAD v4.1: 7 of 1,613,528 alleles (0.00043%); highest among the groups gnomAD compares: Middle Eastern, 0.016%; no homozygotes.

Submission:

Labcorp Genetics (formerly Invitae), Labcorp
Classification: Uncertain significance for Combined oxidative phosphorylation defect type 27. Last evaluated: 2022-04-11. Review status: criteria provided, single submitter. Criteria: Invitae Variant Classification Sherloc (09022015). Collection method: clinical testing. Allele origin: germline.
Comment: This sequence change replaces glutamic acid, which is acidic and polar, with lysine, which is basic and polar, at codon 297 of the CARS2 protein (p.Glu297Lys). This variant is present in population databases (rs368410574, gnomAD 0.007%). This variant has not been reported in the literature in individuals affected with CARS2-related conditions. ClinVar contains an entry for this variant (Variation ID: 475638). Algorithms developed to predict the effect of missense changes on protein structure and function output the following: SIFT: "Tolerated"; PolyPhen-2: "Benign"; Align-GVGD: "Class C0". The lysine amino acid residue is found in multiple mammalian species, which suggests that this missense change does not adversely affect protein function. In summary, the available evidence is currently insufficient to determine the role of this variant in disease. Therefore, it has been classified as a Variant of Uncertain Significance.